The following is an entry in ClinVar:

NM_001243133.2(NLRP3):c.953C>A (p.Thr318Asn)

Gene: NLRP3 (NLR family pyrin domain containing 3; plus strand). Cytogenetic location: 1q44.
Variant type: single nucleotide variant.
Coding change: c.953C>A on transcript NM_001243133.2 (MANE Select); coding-DNA position 953, C replaced by A.
Protein change: p.Thr318Asn; replaces threonine 318 with asparagine.
Molecular consequence: missense variant.
Genome position (GRCh38, 1-based): chr1:247,424,402, C>A. VCF-style: chr1-247424402-C-A. GRCh37 (hg19) VCF-style: chr1-247587704-C-A.
Other names: c.953C>A, p.Thr318Asn (NM_001079821.3, NM_001127461.3, NM_001127462.3 and 1 more transcripts); c.959C>A, p.Thr320Asn (NM_004895.5); short protein forms T320N, T318N.
Identifiers: ClinVar variation 3633871 (VCV003633871.2).

ClinVar aggregate classification (germline): Uncertain significance (1 of 4 stars; one submission).

Conditions:
Cryopyrin associated periodic syndrome (CAPS). Identifiers: Orphanet 208650, MedGen C2316212, MONDO:0016168.

gnomAD v4.1: 5 of 1,614,072 alleles (0.00031%); highest among the groups gnomAD compares: African/African-American, 0.0067%; no homozygotes.

Submission:

Labcorp Genetics (formerly Invitae), Labcorp
Classification: Uncertain significance for Cryopyrin associated periodic syndrome. Last evaluated: 2024-10-25. Review status: criteria provided, single submitter. Criteria: Invitae Variant Classification Sherloc (09022015). Collection method: clinical testing. Allele origin: germline.
Comment: This sequence change replaces threonine, which is neutral and polar, with asparagine, which is neutral and polar, at codon 320 of the NLRP3 protein (p.Thr320Asn). This variant is present in population databases (rs778161896, gnomAD 0.01%). This variant has not been reported in the literature in individuals affected with NLRP3-related conditions. Invitae Evidence Modeling of protein sequence and biophysical properties (such as structural, functional, and spatial information, amino acid conservation, physicochemical variation, residue mobility, and thermodynamic stability) has been performed for this missense variant. However, the output from this modeling did not meet the statistical confidence thresholds required to predict the impact of this variant on NLRP3 protein function. In summary, the available evidence is currently insufficient to determine the role of this variant in disease. Therefore, it has been classified as a Variant of Uncertain Significance.